The following is an entry in ClinVar:

ClinVar aggregate classification (germline): Uncertain significance. Review status: criteria provided, multiple submitters, no conflicts (2 of 4 stars). 2 submissions from 2 submitters: Uncertain significance (2). Last evaluated 2025-01-30.

Conditions:
Alstrom syndrome (ALMS). Identifiers: Orphanet 64, MedGen C0268425, MONDO:0008763, OMIM 203800.

gnomAD v4.1: 1 of 1,612,190 alleles (0.000062%); highest among the groups gnomAD compares: Admixed American, 0.0017%; no homozygotes.

Submissions (2):

GeneDx
Classification: Uncertain significance. Last evaluated: 2025-01-30. Review status: criteria provided, single submitter. Criteria: GeneDx Variant Classification Process June 2021. Collection method: clinical testing. Allele origin: germline. Affected: yes.
Comment: Not observed at significant frequency in large population cohorts (gnomAD); In silico analysis indicates that this missense variant does not alter protein structure/function; Has not been previously published as pathogenic or benign to our knowledge

Labcorp Genetics (formerly Invitae), Labcorp
Classification: Uncertain significance for Alstrom syndrome. Last evaluated: 2023-12-07. Review status: criteria provided, single submitter. Criteria: Invitae Variant Classification Sherloc (09022015). Collection method: clinical testing. Allele origin: germline.
Comment: This sequence change replaces histidine, which is basic and polar, with glutamine, which is neutral and polar, at codon 3777 of the ALMS1 protein (p.His3777Gln). This variant is not present in population databases (gnomAD no frequency). This variant has not been reported in the literature in individuals affected with ALMS1-related conditions. ClinVar contains an entry for this variant (Variation ID: 1380798). Algorithms developed to predict the effect of missense changes on protein structure and function output the following: SIFT: "Not Available"; PolyPhen-2: "Not Available"; Align-GVGD: "Not Available". The glutamine amino acid residue is found in multiple mammalian species, which suggests that this missense change does not adversely affect protein function. In summary, the available evidence is currently insufficient to determine the role of this variant in disease. Therefore, it has been classified as a Variant of Uncertain Significance.

NM_001378454.1(ALMS1):c.11328C>G (p.His3776Gln)

Gene: ALMS1 (ALMS1 centrosome and basal body associated protein; plus strand). Cytogenetic location: 2p13.1.
Variant type: single nucleotide variant.
Coding change: c.11328C>G on transcript NM_001378454.1 (MANE Select); coding-DNA position 11328, C replaced by G.
Protein change: p.His3776Gln; replaces histidine 3776 with glutamine.
Molecular consequence: missense variant.
Genome position (GRCh38, 1-based): chr2:73,573,205, C>G. VCF-style: chr2-73573205-C-G. GRCh37 (hg19) VCF-style: chr2-73800332-C-G.
Other names: c.11331C>G, p.His3777Gln (NM_015120.4); short protein forms H3776Q, H3777Q.
Identifiers: ClinVar variation 1380798 (VCV001380798.5), dbSNP rs45596541, ClinGen allele CA50386976.